The following is an entry in ClinVar:

ClinVar aggregate classification (germline): Uncertain significance (1 of 4 stars; one submission).

Conditions:
Landau-Kleffner syndrome (FESD). Also called: EPILEPSY, FOCAL, WITH SPEECH DISORDER AND WITH OR WITHOUT MENTAL RETARDATION; APHASIA, ACQUIRED, WITH EPILEPSY. Identifiers: Orphanet 1945, Orphanet 725, Orphanet 98818, MedGen C0282512, MONDO:0009509, OMIM 245570.

gnomAD v4.1: 6 of 1,614,052 alleles (0.00037%); highest among the groups gnomAD compares: Non-Finnish European, 0.00051%; no homozygotes.

Submission:

Victorian Clinical Genetics Services, Murdoch Childrens Research Institute
Classification: Uncertain significance for Landau-Kleffner syndrome. Last evaluated: 2022-02-02. Review status: criteria provided, single submitter. Criteria: ACMG Guidelines, 2015. Collection method: clinical testing. Allele origin: germline. Inheritance: Autosomal dominant inheritance. Affected: yes.
Comment: Based on the classification scheme VCGS_Germline_v1.3.4, this variant is classified as VUS-3B. Following criteria are met: 0103 - Loss of function, dominant negative and gain of function are known mechanisms of disease in this gene and are associated with focal epilepsy with speech disorder and with or without mental retardation (MIM#245570). Haploinsufficiency of GRIN2A is known to result in disease, and some variants have also been shown to act antagonistically to the wild type allele when two homologous subunits are incorporated into the same protein complex. Furthermore, the overall effect of these variants on complex activity results in a gain of function of the NMDA receptor (OMIM). (I) 0107 - This gene is associated with autosomal dominant disease. (I) 0112 - The condition associated with this gene has incomplete penetrance. Some carriers of familial variants are unaffected (OMIM). (I) 0115 - Variants in this gene are known to have variable expressivity. Disease presentation and severity is known to vary, even amongst family members carrying the same variant (OMIM). (I) 0200 - Variant is predicted to result in a missense amino acid change from glycine to arginine. (I) 0251 - This variant is heterozygous. (I) 0301 - Variant is absent from gnomAD (both v2 and v3). (SP) 0501 - Missense variant consistently predicted to be damaging by multiple in silico tools or highly conserved with a major amino acid change. (SP) 0600 - Variant is located in the annotated N-methyl D-aspartate receptor 2B3 C-terminal domain (DECIPHER). (I) 0705 - No comparable missense variants have previous evidence for pathogenicity. (I) 0807 - This variant has no previous evidence of pathogenicity. A different nucleotide change which results in the same protein subsititution (c.2572G>A; p.Gly858Arg) has been reported as a VUS in a screening study (ClinVar). (I) 0905 - No published segregation evidence has been identified for this variant. (I) 1007 - No published functional evidence has been identified for this variant. (I) 1208 - Inheritance information for this variant is not currently available in this individual. (I) Legend: (SP) - Supporting pathogenic, (I) - Information, (SB) - Supporting benign

NM_001134407.3(GRIN2A):c.2572G>C (p.Gly858Arg)

Gene: GRIN2A (glutamate ionotropic receptor NMDA type subunit 2A; minus strand). Cytogenetic location: 16p13.2.
Variant type: single nucleotide variant.
Coding change: c.2572G>C on transcript NM_001134407.3 (MANE Select); coding-DNA position 2572, G replaced by C.
Protein change: p.Gly858Arg; replaces glycine 858 with arginine.
Molecular consequence: missense variant.
Genome position (GRCh38, 1-based): chr16:9,768,874, C>G on the plus strand (G>C on the coding strand, the complement: GRIN2A is on the minus strand). VCF-style: chr16-9768874-C-G. GRCh37 (hg19) VCF-style: chr16-9862731-C-G.
Other names: c.2572G>C, p.Gly858Arg (NM_000833.5, NM_001134408.2); short protein forms G858R.
Identifiers: ClinVar variation 1805122 (VCV001805122.1), dbSNP rs1901083292, ClinGen allele CA394709847.